The following is an entry in ClinVar:

ClinVar aggregate classification (germline): Pathogenic (1 of 4 stars; one submission).

Conditions:
Gorlin syndrome. Also called: Nevoid Basal Cell Carcinoma Syndrome; Basal cell nevus syndrome. Identifiers: Orphanet 377, MedGen C0004779, MONDO:0007187.

Submission:

Labcorp Genetics (formerly Invitae), Labcorp
Classification: Pathogenic for Gorlin syndrome. Last evaluated: 2024-03-04. Review status: criteria provided, single submitter. Criteria: Invitae Variant Classification Sherloc (09022015). Collection method: clinical testing. Allele origin: germline.
Comment: This sequence change creates a premature translational stop signal (p.Leu1165Serfs*26) in the PTCH1 gene. It is expected to result in an absent or disrupted protein product. Loss-of-function variants in PTCH1 are known to be pathogenic (PMID: 16301862, 16419085). This variant is not present in population databases (gnomAD no frequency). This variant has not been reported in the literature in individuals affected with PTCH1-related conditions. For these reasons, this variant has been classified as Pathogenic.

Literature cited by the submitters: PubMed 16301862; PubMed 16419085.

NM_000264.5(PTCH1):c.3492del (p.Leu1165fs)

Gene: PTCH1 (patched 1; minus strand). Cytogenetic location: 9q22.32.
Variant type: Deletion.
Coding change: c.3492del on transcript NM_000264.5 (MANE Select); coding-DNA position 3492, one base deleted (T; older notation c.3492delT).
Protein change: p.Leu1165fs; shifts the reading frame from leucine 1165.
Molecular consequence: frameshift variant. On other transcripts: non-coding transcript variant (1).
Genome position (GRCh38, 1-based): chr9:95,449,898, A deleted on the plus strand (T on the coding strand, the reverse complement: PTCH1 is on the minus strand); the first of 2 consecutive A bases (chr9:95,449,898-95,449,899); deleting either gives the same sequence. VCF-style (leftmost placement, unchanged base first): chr9-95449897-GA-G. GRCh37 (hg19) VCF-style: chr9-98212179-GA-G.
Other names: c.3294del, p.Leu1099fs (NM_001083602.3); c.3489del, p.Leu1164fs (NM_001083603.3); c.3039del, p.Leu1014fs (NM_001083604.3, NM_001083605.3, NM_001083606.3 and 1 more transcripts); c.3336del, p.Leu1113fs (NM_001354918.2); short protein forms L1099fs, L1113fs, L1164fs, L1165fs, L1014fs.
Identifiers: ClinVar variation 3631353 (VCV003631353.2).